The following is an entry in ClinVar:

ClinVar aggregate classification (germline): Uncertain significance (1 of 4 stars; one submission).

Submission:

Quest Diagnostics Nichols Institute San Juan Capistrano
Classification: Uncertain significance. Last evaluated: 2024-09-07. Review status: criteria provided, single submitter. Criteria: Quest Diagnostics criteria. Collection method: clinical testing. Allele origin: unknown.
Comment: The FANCM c.1789-3C>A variant has not been reported in individuals with FANCM-related conditions in the published literature. It also has not been reported in large, multi-ethnic general populations (Genome Aggregation Database). Analysis of this variant using software algorithms for the prediction of the effect of nucleotide changes on FANCM mRNA splicing yielded inconclusive findings. Based on the available information, we are unable to determine the clinical significance of this variant.

NM_020937.4(FANCM):c.1789-3C>A

Gene: FANCM (FA complementation group M; plus strand). Cytogenetic location: 14q21.2.
Variant type: single nucleotide variant.
Coding change: c.1789-3C>A on transcript NM_020937.4 (MANE Select); 3 bases into the intron before coding-DNA position 1789, C replaced by A.
Molecular consequence: intron variant.
Genome position (GRCh38, 1-based): chr14:45,166,947, C>A. VCF-style: chr14-45166947-C-A. GRCh37 (hg19) VCF-style: chr14-45636150-C-A.
Other names: c.1711-3C>A (NM_001308133.2); c.1789-3C>A (NM_001308134.2).
Identifiers: ClinVar variation 3572300 (VCV003572300.1).